The following is an entry in ClinVar:

NM_002063.4(GLRA2):c.926C>T (p.Pro309Leu)

Gene: GLRA2 (glycine receptor alpha 2; plus strand). Cytogenetic location: Xp22.2.
Variant type: single nucleotide variant.
Coding change: c.926C>T on transcript NM_002063.4 (MANE Select); coding-DNA position 926, C replaced by T.
Protein change: p.Pro309Leu; replaces proline 309 with leucine.
Molecular consequence: missense variant.
Genome position (GRCh38, 1-based): chrX:14,609,201, C>T. VCF-style: chrX-14609201-C-T. GRCh37 (hg19) VCF-style: chrX-14627323-C-T.
Other names: c.926C>T, p.Pro309Leu (NM_001118885.2, NM_001118886.2); c.659C>T, p.Pro220Leu (NM_001171942.2); short protein forms P220L, P309L.
Identifiers: ClinVar variation 4526690 (VCV004526690.1).

ClinVar aggregate classification (germline): Uncertain significance (1 of 4 stars; one submission).

Conditions:
Myopia. Also called: Myopia (disease). Identifiers: MedGen C0027092, MONDO:0001384, HP:0000545.

Submission:

Clinical Genetics Laboratory, Skane University Hospital Lund
Classification: Uncertain significance for Myopia. Last evaluated: 2025-11-03. Review status: criteria provided, single submitter. Criteria: ACMG Guidelines, 2015. Collection method: clinical testing. Allele origin: germline. Inheritance: X-linked inheritance. Affected: yes.
Comment: PM2, PP3